The following is an entry in ClinVar:

ClinVar aggregate classification (germline): Pathogenic (1 of 4 stars; one submission).

Submission:

Labcorp Genetics (formerly Invitae), Labcorp
Classification: Pathogenic. Last evaluated: 2023-09-28. Review status: criteria provided, single submitter. Criteria: Invitae Variant Classification Sherloc (09022015). Collection method: clinical testing. Allele origin: germline.
Comment: This sequence change creates a premature translational stop signal (p.Pro312Alafs*40) in the GDF1 gene. While this is not anticipated to result in nonsense mediated decay, it is expected to disrupt the last 61 amino acid(s) of the GDF1 protein. The frequency data for this variant in the population databases is considered unreliable, as metrics indicate poor data quality at this position in the gnomAD database. This premature translational stop signal has been observed in individual(s) with clinical features of GDF1-related conditions (Invitae). In at least one individual the data is consistent with being in trans (on the opposite chromosome) from a pathogenic variant. This variant disrupts a region of the GDF1 protein in which other variant(s) (p.Phe349Leufs*35) have been determined to be pathogenic (Invitae). This suggests that this is a clinically significant region of the protein, and that variants that disrupt it are likely to be disease-causing. For these reasons, this variant has been classified as Pathogenic.

NM_001492.6(GDF1):c.933dup (p.Pro312fs)

Genes: CERS1 (ceramide synthase 1; minus strand), GDF1 (growth differentiation factor 1; minus strand). Cytogenetic location: 19p13.11.
Variant type: Duplication.
Coding change: c.933dup on transcript NM_001492.6 (MANE Select); coding-DNA position 933, one base duplicated (G; older notation c.933dupG).
Protein change: p.Pro312fs; shifts the reading frame from proline 312.
Molecular consequence: frameshift variant. On other transcripts: 3 prime UTR variant (2).
Genome position (GRCh38, 1-based): chr19:18,868,783, C duplicated on the plus strand (G on the coding strand, the reverse complement: GDF1 is on the minus strand); the first of 6 consecutive C bases (chr19:18,868,783-18,868,788); duplicating any one gives the same sequence. VCF-style (leftmost placement, unchanged base first): chr19-18868782-G-GC. GRCh37 (hg19) VCF-style: chr19-18979591-G-GC.
Other names: c.*1794dup (NM_001387440.1); c.*1202dup (NM_021267.5); c.933dup, p.Pro312fs (NM_001387438.1); short protein forms P312fs.
Identifiers: ClinVar variation 3018188 (VCV003018188.3), dbSNP rs1213194580, ClinGen allele CA632627117.